The following is an entry in ClinVar:

ClinVar aggregate classification (germline): Uncertain significance. Review status: criteria provided, multiple submitters, no conflicts (2 of 4 stars). 2 submissions from 2 submitters: Uncertain significance (2). Last evaluated 2024-10-04.

Conditions:
Primary ciliary dyskinesia. Also called: Ciliary dyskinesia. Identifiers: Orphanet 244, MedGen C0008780, MONDO:0016575, HP:0012265.

gnomAD v4.1: 3 of 1,207,656 alleles (0.00025%); highest among the groups gnomAD compares: Non-Finnish European, 0.00034%; no homozygotes.

Submissions (2):

Blueprint Genetics
Classification: Uncertain significance. Last evaluated: 2024-10-04. Review status: criteria provided, single submitter. Criteria: ACMG Guidelines, 2015. Collection method: clinical testing. Allele origin: germline.

Labcorp Genetics (formerly Invitae), Labcorp
Classification: Uncertain significance for Primary ciliary dyskinesia. Last evaluated: 2024-04-29. Review status: criteria provided, single submitter. Criteria: Invitae Variant Classification Sherloc (09022015). Collection method: clinical testing. Allele origin: germline.
Comment: This sequence change replaces glutamine, which is neutral and polar, with leucine, which is neutral and non-polar, at codon 798 of the RPGR protein (p.Gln798Leu). This variant is not present in population databases (gnomAD no frequency). This variant has not been reported in the literature in individuals affected with RPGR-related conditions. Advanced modeling of protein sequence and biophysical properties (such as structural, functional, and spatial information, amino acid conservation, physicochemical variation, residue mobility, and thermodynamic stability) performed at Invitae indicates that this missense variant is not expected to disrupt RPGR protein function with a negative predictive value of 95%. In summary, the available evidence is currently insufficient to determine the role of this variant in disease. Therefore, it has been classified as a Variant of Uncertain Significance.

NC_000023.11:g.38269681T>A

Gene: RPGR (retinitis pigmentosa GTPase regulator; minus strand). Cytogenetic location: Xp11.4.
Variant type: single nucleotide variant.
Molecular consequence: missense variant (on NM_001367249.1). On other transcripts: non-coding transcript variant (6).
Genome position: GRCh38 VCF-style: chrX-38269681-T-A. GRCh37 (hg19) VCF-style: chrX-38128934-T-A.
Other names: c.2057A>T, p.Gln686Leu (NM_001367249.1, NM_001367250.1); c.1874A>T, p.Gln625Leu (NM_001367251.1); c.2393A>T, p.Gln798Leu (NM_000328.3); c.2390A>T, p.Gln797Leu (NM_001367245.1); c.2207A>T, p.Gln736Leu (NM_001367246.1); c.2060A>T, p.Gln687Leu (NM_001367247.1); c.2090A>T, p.Gln697Leu (NM_001367248.1); short protein forms Q625L, Q736L, Q686L, Q687L, Q798L, Q697L, Q797L.
Identifiers: ClinVar variation 3673799 (VCV003673799.3).